The following is an entry in ClinVar:

ClinVar aggregate classification (germline): Likely benign. Review status: criteria provided, multiple submitters, no conflicts (2 of 4 stars). 2 submissions from 2 submitters: Likely benign (2). Last evaluated 2026-01-12.

Conditions:
ALG9 congenital disorder of glycosylation (CDG1L). Also called: CDG Il; CONGENITAL DISORDER OF GLYCOSYLATION, TYPE Il; ALG9-CDG. Identifiers: Orphanet 79328, MedGen C2931006, MONDO:0012117, OMIM 608776.

Allele frequency attached by ClinVar (database versions not stated): gnomAD exomes 0.00010 and 0.00021; ExAC 0.00015; gnomAD 0.00015; 1000 Genomes Project 30x 0.00016; TOPMed 0.00019; 1000 Genomes Project 0.00020.
gnomAD v4.1: 318 of 1,614,100 alleles (0.02%); highest among the groups gnomAD compares: Non-Finnish European, 0.025%; no homozygotes.

Submissions (2):

Labcorp Genetics (formerly Invitae), Labcorp
Classification: Likely benign for ALG9 congenital disorder of glycosylation. Last evaluated: 2026-01-12. Review status: criteria provided, single submitter. Criteria: Invitae Variant Classification Sherloc (09022015). Collection method: clinical testing. Allele origin: germline.

GeneDx
Classification: Likely benign. Last evaluated: 2016-07-29. Review status: criteria provided, single submitter. Criteria: GeneDx Variant Classification (06012015). Collection method: clinical testing. Allele origin: germline. Affected: yes.
Comment: This variant is considered likely benign or benign based on one or more of the following criteria: it is a conservative change, it occurs at a poorly conserved position in the protein, it is predicted to be benign by multiple in silico algorithms, and/or has population frequency not consistent with disease.

NM_024740.2(ALG9):c.1356A>G (p.Glu452=)

Gene: ALG9 (ALG9 alpha-1,2-mannosyltransferase; minus strand). Cytogenetic location: 11q23.1.
Variant type: single nucleotide variant.
Coding change: c.1356A>G on transcript NM_024740.2 (MANE Select); coding-DNA position 1356, A replaced by G.
Protein change: p.Glu452=; no amino-acid change (glutamic acid 452 retained).
Molecular consequence: synonymous variant. On other transcripts: non-coding transcript variant (1).
Genome position (GRCh38, 1-based): chr11:111,837,584, T>C on the plus strand (A>G on the coding strand, the complement: ALG9 is on the minus strand). VCF-style: chr11-111837584-T-C. GRCh37 (hg19) VCF-style: chr11-111708307-T-C.
Other names: c.843A>G, p.Glu281= (NM_001352414.2, NM_001352419.1, NM_001077691.2 and 1 more transcripts); c.822A>G, p.Glu274= (NM_001352415.1, NM_001352416.1, NM_001352420.2 and 6 more transcripts); c.1335A>G, p.Glu445= (NM_001352417.1, NM_001077690.1); c.1212A>G, p.Glu404= (NM_001352418.1); c.747A>G, p.Glu249= (NM_001352422.2); c.699A>G, p.Glu233= (NM_001352423.2).
Identifiers: ClinVar variation 387747 (VCV000387747.6), dbSNP rs200460892, ClinGen allele CA6274440.